The following is an entry in ClinVar:

NM_000179.3(MSH6):c.3882T>A (p.Cys1294Ter)

Gene: MSH6 (mutS homolog 6; plus strand). Cytogenetic location: 2p16.3.
Variant type: single nucleotide variant.
Coding change: c.3882T>A on transcript NM_000179.3 (MANE Select); coding-DNA position 3882, T replaced by A.
Protein change: p.Cys1294Ter; replaces cysteine 1294 with a stop codon.
Molecular consequence: nonsense.
Genome position (GRCh38, 1-based): chr2:47,806,532, T>A. VCF-style: chr2-47806532-T-A. GRCh37 (hg19) VCF-style: chr2-48033671-T-A.
Other names: c.3492T>A, p.Cys1164Ter (NM_001281492.2); c.2976T>A, p.Cys992Ter (NM_001281493.2, NM_001281494.2); short protein forms C1164*, C1294*, C992*.
Identifiers: ClinVar variation 1452092 (VCV001452092.6), dbSNP rs1060504744, ClinGen allele CA346761379.

ClinVar aggregate classification (germline): Pathogenic (1 of 4 stars; one submission).

Conditions:
Hereditary nonpolyposis colorectal neoplasms. Identifiers: MedGen C0009405, MeSH D003123.

Submission:

Labcorp Genetics (formerly Invitae), Labcorp
Classification: Pathogenic for Hereditary nonpolyposis colorectal neoplasms. Last evaluated: 2021-11-24. Review status: criteria provided, single submitter. Criteria: Invitae Variant Classification Sherloc (09022015). Collection method: clinical testing. Allele origin: germline.
Comment: This sequence change creates a premature translational stop signal (p.Cys1294*) in the MSH6 gene. It is expected to result in an absent or disrupted protein product. Loss-of-function variants in MSH6 are known to be pathogenic (PMID: 18269114, 24362816). This variant is not present in population databases (gnomAD no frequency). This variant has not been reported in the literature in individuals affected with MSH6-related conditions. For these reasons, this variant has been classified as Pathogenic.

Literature cited by the submitters: PubMed 18269114; PubMed 24362816.